The following is an entry in ClinVar:

ClinVar aggregate classification (germline): Uncertain significance (1 of 4 stars; one submission).

Conditions:
Holoprosencephaly 11 (HPE11). Identifiers: Orphanet 2162, MedGen C3280215, MONDO:0013642, OMIM 614226.

gnomAD v4.1: 2 of 1,614,060 alleles (0.00012%); highest among the groups gnomAD compares: South Asian, 0.0022%; no homozygotes.

Submission:

Labcorp Genetics (formerly Invitae), Labcorp
Classification: Uncertain significance for Holoprosencephaly 11. Last evaluated: 2025-01-31. Review status: criteria provided, single submitter. Criteria: Invitae Variant Classification Sherloc (09022015). Collection method: clinical testing. Allele origin: germline.
Comment: This sequence change replaces arginine, which is basic and polar, with glycine, which is neutral and non-polar, at codon 458 of the CDON protein (p.Arg458Gly). This variant is present in population databases (no rsID available, gnomAD 0.003%). This variant has not been reported in the literature in individuals affected with CDON-related conditions. Invitae Evidence Modeling of protein sequence and biophysical properties (such as structural, functional, and spatial information, amino acid conservation, physicochemical variation, residue mobility, and thermodynamic stability) indicates that this missense variant is not expected to disrupt CDON protein function with a negative predictive value of 80%. In summary, the available evidence is currently insufficient to determine the role of this variant in disease. Therefore, it has been classified as a Variant of Uncertain Significance.

NM_001378964.1(CDON):c.1372C>G (p.Arg458Gly)

Gene: CDON (cell adhesion associated, oncogene regulated; minus strand). Cytogenetic location: 11q24.2.
Variant type: single nucleotide variant.
Coding change: c.1372C>G on transcript NM_001378964.1 (MANE Select); coding-DNA position 1372, C replaced by G.
Protein change: p.Arg458Gly; replaces arginine 458 with glycine.
Molecular consequence: missense variant.
Genome position (GRCh38, 1-based): chr11:126,010,521, G>C on the plus strand (C>G on the coding strand, the complement: CDON is on the minus strand). VCF-style: chr11-126010521-G-C. GRCh37 (hg19) VCF-style: chr11-125880416-G-C.
Other names: c.1372C>G, p.Arg458Gly (NM_001243597.3, NM_001441161.1, NM_001441162.1 and 5 more transcripts); short protein forms R458G.
Identifiers: ClinVar variation 4742637 (VCV004742637.1).